The following is an entry in ClinVar:

ClinVar aggregate classification (germline): Uncertain significance (1 of 4 stars; one submission).

Submission:

Labcorp Genetics (formerly Invitae), Labcorp
Classification: Uncertain significance. Last evaluated: 2023-03-02. Review status: criteria provided, single submitter. Criteria: Invitae Variant Classification Sherloc (09022015). Collection method: clinical testing. Allele origin: germline.
Comment: Experimental studies and prediction algorithms are not available or were not evaluated, and the functional significance of this variant is currently unknown. In summary, the available evidence is currently insufficient to determine the role of this variant in disease. Therefore, it has been classified as a Variant of Uncertain Significance. This variant has not been reported in the literature in individuals affected with PHIP-related conditions. This variant is not present in population databases (gnomAD no frequency). This sequence change replaces lysine, which is basic and polar, with glutamic acid, which is acidic and polar, at codon 913 of the PHIP protein (p.Lys913Glu).

NM_017934.7(PHIP):c.2737A>G (p.Lys913Glu)

Gene: PHIP (PHIP subunit of CUL4-Ring ligase complex; minus strand). Cytogenetic location: 6q14.1.
Variant type: single nucleotide variant.
Coding change: c.2737A>G on transcript NM_017934.7 (MANE Select); coding-DNA position 2737, A replaced by G.
Protein change: p.Lys913Glu; replaces lysine 913 with glutamic acid.
Molecular consequence: missense variant.
Genome position (GRCh38, 1-based): chr6:78,982,918, T>C on the plus strand (A>G on the coding strand, the complement: PHIP is on the minus strand). VCF-style: chr6-78982918-T-C. GRCh37 (hg19) VCF-style: chr6-79692635-T-C.
Other names: short protein forms K913E.
Identifiers: ClinVar variation 2813191 (VCV002813191.3), dbSNP rs2481962498, ClinGen allele CA364649444.